The following is an entry in ClinVar:

ClinVar aggregate classification (germline): Pathogenic (1 of 4 stars; one submission).

Conditions:
Niemann-Pick disease, type C1. Also called: NIEMANN-PICK DISEASE, VARIANT TYPE C1; NEUROVISCERAL STORAGE DISEASE WITH VERTICAL SUPRANUCLEAR OPHTHALMOPLEGIA; NIEMANN-PICK DISEASE WITH CHOLESTEROL ESTERIFICATION BLOCK; NIEMANN-PICK DISEASE WITHOUT SPHINGOMYELINASE DEFICIENCY; NIEMANN-PICK DISEASE, CHRONIC NEURONOPATHIC FORM. Identifiers: Orphanet 646, MedGen C3179455, MONDO:0009757, OMIM 257220.

Submission:

Natera, Inc.
Classification: Pathogenic for Niemann-Pick disease type C1. Last evaluated: 2025-10-22. Review status: criteria provided, single submitter. Criteria: Natera Variant Classification Schema (03/2026). Collection method: clinical testing. Allele origin: germline.
Comment: The c.3003_3041+24del variant in NPC1 is a deletion affecting a canonical splice donor site and part of an exon. This variant is expected to result in nonsense mediated decay, truncation, or a dysfunctional protein product. This variant is rare in the general population with a frequency below the threshold expected for the associated phenotype(s). This variant has been observed in one or more individuals affected with the associated recessive disease, as either homozygous or compound heterozygous with a second variant (PMID: 39185019). Given the available evidence, this variant is classified as Pathogenic.

Literature cited by the submitters: PubMed 39185019.

NM_000271.5(NPC1):c.3003_3041+24del

Gene: NPC1 (NPC intracellular cholesterol transporter 1; minus strand). Cytogenetic location: 18q11.2.
Variant type: Deletion.
Coding change: c.3003_3041+24del on transcript NM_000271.5 (MANE Select); coding-DNA position 3003 through 24 bases into the intron after coding-DNA position 3041, 63 bases deleted.
Molecular consequence: splice donor variant.
Genome position (GRCh38, 1-based): chr18:23,538,518-23,538,580, 63 bases deleted. GRCh37 (hg19): chr18:21,118,484-21,118,546.
Identifiers: ClinVar variation 4818063 (VCV004818063.1).